The following is an entry in ClinVar:

ClinVar aggregate classification (germline): Uncertain significance (1 of 4 stars; one submission).

Submission:

GeneDx
Classification: Uncertain significance. Last evaluated: 2024-03-26. Review status: criteria provided, single submitter. Criteria: GeneDx Variant Classification Process June 2021. Collection method: clinical testing. Allele origin: germline.
Comment: Not observed at significant frequency in large population cohorts (gnomAD); In silico analysis supports that this missense variant has a deleterious effect on protein structure/function; Has not been previously published as pathogenic or benign to our knowledge

NM_015981.4(CAMK2A):c.1406G>C (p.Arg469Pro)

Gene: CAMK2A (calcium/calmodulin dependent protein kinase II alpha; minus strand). Cytogenetic location: 5q32.
Variant type: single nucleotide variant.
Coding change: c.1406G>C on transcript NM_015981.4 (MANE Select); coding-DNA position 1406, G replaced by C.
Protein change: p.Arg469Pro; replaces arginine 469 with proline.
Molecular consequence: missense variant.
Genome position (GRCh38, 1-based): chr5:150,223,049, C>G on the plus strand (G>C on the coding strand, the complement: CAMK2A is on the minus strand). VCF-style: chr5-150223049-C-G. GRCh37 (hg19) VCF-style: chr5-149602612-C-G.
Other names: c.1406G>C, p.Arg469Pro (NM_001363989.1); c.1373G>C, p.Arg458Pro (NM_001363990.1, NM_001369025.2, NM_171825.3); short protein forms R458P, R469P.
Identifiers: ClinVar variation 1800528 (VCV001800528.2), dbSNP rs2481475982, ClinGen allele CA361739320.